The following is an entry in ClinVar:

NM_014822.4(SEC24D):c.535A>G (p.Asn179Asp)

Gene: SEC24D (SEC24 homolog D, COPII component; minus strand). Cytogenetic location: 4q26.
Variant type: single nucleotide variant.
Coding change: c.535A>G on transcript NM_014822.4 (MANE Select); coding-DNA position 535, A replaced by G.
Protein change: p.Asn179Asp; replaces asparagine 179 with aspartic acid.
Molecular consequence: missense variant.
Genome position (GRCh38, 1-based): chr4:118,815,589, T>C on the plus strand (A>G on the coding strand, the complement: SEC24D is on the minus strand). VCF-style: chr4-118815589-T-C. GRCh37 (hg19) VCF-style: chr4-119736744-T-C.
Other names: c.535A>G, p.Asn179Asp (NM_001318066.2); short protein forms N179D.
Identifiers: ClinVar variation 1495208 (VCV001495208.8), dbSNP rs2110524604, ClinGen allele CA358015633.
Genomic context (GRCh38, chr4:118,815,589, plus strand): 5'-GCCCAGAGAGCCCATCTGGTCTGTACATTGGTAGAGGCAAAGGTGAGGCACCAGGACCAT[T>C]GAGTGTGGTGGGTGGTGGTGGAAGAACTTGAGATCCAGGCTGCAAAATGGAAGGCTGTGG-3'
Protein context (NP_055637.2, residues 169-189): QVLPPPPTTL[Asn179Asp]GPGASPLPLP

ClinVar aggregate classification (germline): Uncertain significance (1 of 4 stars; one submission).

Submission:

Labcorp Genetics (formerly Invitae), Labcorp
Classification: Uncertain significance. Last evaluated: 2022-02-24. Review status: criteria provided, single submitter. Criteria: Invitae Variant Classification Sherloc (09022015). Collection method: clinical testing. Allele origin: germline.
Comment: In summary, the available evidence is currently insufficient to determine the role of this variant in disease. Therefore, it has been classified as a Variant of Uncertain Significance. Algorithms developed to predict the effect of missense changes on protein structure and function are either unavailable or do not agree on the potential impact of this missense change (SIFT: "Not Available"; PolyPhen-2: "Benign"; Align-GVGD: "Not Available"). This variant has not been reported in the literature in individuals affected with SEC24D-related conditions. This variant is not present in population databases (gnomAD no frequency). This sequence change replaces asparagine, which is neutral and polar, with aspartic acid, which is acidic and polar, at codon 179 of the SEC24D protein (p.Asn179Asp).